The following is an entry in ClinVar:

NM_020529.3(NFKBIA):c.193C>T (p.Pro65Ser)

Gene: NFKBIA (NFKB inhibitor alpha; minus strand). Cytogenetic location: 14q13.2.
Variant type: single nucleotide variant.
Coding change: c.193C>T on transcript NM_020529.3 (MANE Select); coding-DNA position 193, C replaced by T.
Protein change: p.Pro65Ser; replaces proline 65 with serine.
Molecular consequence: missense variant.
Genome position (GRCh38, 1-based): chr14:35,404,452, G>A on the plus strand (C>T on the coding strand, the complement: NFKBIA is on the minus strand). VCF-style: chr14-35404452-G-A. GRCh37 (hg19) VCF-style: chr14-35873658-G-A.
Other names: short protein forms P65S.
Identifiers: ClinVar variation 3627427 (VCV003627427.2).
Genomic context (GRCh38, chr14:35,404,452, plus strand): 5'-CCCAGCCCCGGGCCTCCGCCACTTACGAGTCCCCGTCCTCGGTGAGCTGCTGCTTCCAGG[G>A]CTCCGAGCCGCGCGGCACCTCCTGCGGCTCGAGGCGGATCTCCTGCAGCTCCTTGACCAT-3'
Protein context (NP_065390.1, residues 55-75): EPQEVPRGSE[Pro65Ser]WKQQLTEDGD

ClinVar aggregate classification (germline): Uncertain significance (1 of 4 stars; one submission).

Conditions:
Ectodermal dysplasia and immunodeficiency 2. Identifiers: Orphanet 238468, Orphanet 98813, MedGen C2677481, MONDO:0012806, OMIM 612132.

gnomAD v4.1: 3 of 1,596,674 alleles (0.00019%); highest among the groups gnomAD compares: East Asian, 0.0046%; no homozygotes.

Submission:

Labcorp Genetics (formerly Invitae), Labcorp
Classification: Uncertain significance for Ectodermal dysplasia and immunodeficiency 2. Last evaluated: 2024-10-16. Review status: criteria provided, single submitter. Criteria: Invitae Variant Classification Sherloc (09022015). Collection method: clinical testing. Allele origin: germline.
Comment: This sequence change replaces proline, which is neutral and non-polar, with serine, which is neutral and polar, at codon 65 of the NFKBIA protein (p.Pro65Ser). This variant is not present in population databases (gnomAD no frequency). This variant has not been reported in the literature in individuals affected with NFKBIA-related conditions. An algorithm developed to predict the effect of missense changes on protein structure and function (PolyPhen-2) suggests that this variant is likely to be tolerated. In summary, the available evidence is currently insufficient to determine the role of this variant in disease. Therefore, it has been classified as a Variant of Uncertain Significance.